The following is an entry in ClinVar:

ClinVar aggregate classification (germline): Uncertain significance (1 of 4 stars; one submission).

Allele frequency attached by ClinVar (database versions not stated): gnomAD exomes below 0.00001.
gnomAD v4.1: 2 of 1,604,722 alleles (0.00012%); highest among the groups gnomAD compares: Non-Finnish European, 0.000085%; no homozygotes.

Submission:

Ambry Genetics
Classification: Uncertain significance. Last evaluated: 2024-02-01. Review status: criteria provided, single submitter. Criteria: Ambry Variant Classification Scheme 2023. Collection method: clinical testing. Allele origin: germline.
Comment: The p.L1121S variant (also known as c.3362T>C), located in coding exon 28 of the PRKDC gene, results from a T to C substitution at nucleotide position 3362. The leucine at codon 1121 is replaced by serine, an amino acid with dissimilar properties. This amino acid position is conserved. In addition, the in silico prediction for this alteration is inconclusive. Based on the available evidence, the clinical significance of this alteration remains unclear.

NM_006904.7(PRKDC):c.3362T>C (p.Leu1121Ser)

Gene: PRKDC (protein kinase, DNA-activated, catalytic subunit; minus strand). Cytogenetic location: 8q11.21.
Variant type: single nucleotide variant.
Coding change: c.3362T>C on transcript NM_006904.7 (MANE Select); coding-DNA position 3362, T replaced by C.
Protein change: p.Leu1121Ser; replaces leucine 1121 with serine.
Molecular consequence: missense variant.
Genome position (GRCh38, 1-based): chr8:47,900,375, A>G on the plus strand (T>C on the coding strand, the complement: PRKDC is on the minus strand). VCF-style: chr8-47900375-A-G. GRCh37 (hg19) VCF-style: chr8-48812935-A-G.
Other names: c.3362T>C, p.Leu1121Ser (NM_001081640.2); short protein forms L1121S.
Identifiers: ClinVar variation 3225831 (VCV003225831.1), dbSNP rs1589777442, ClinGen allele CA371155455.